The following is an entry in ClinVar:

NM_004655.4(AXIN2):c.1496T>G (p.Leu499Arg)

Gene: AXIN2 (axin 2; minus strand). Cytogenetic location: 17q24.1.
Variant type: single nucleotide variant.
Coding change: c.1496T>G on transcript NM_004655.4 (MANE Select); coding-DNA position 1496, T replaced by G.
Protein change: p.Leu499Arg; replaces leucine 499 with arginine.
Molecular consequence: missense variant.
Genome position (GRCh38, 1-based): chr17:65,537,540, A>C on the plus strand (T>G on the coding strand, the complement: AXIN2 is on the minus strand). VCF-style: chr17-65537540-A-C. GRCh37 (hg19) VCF-style: chr17-63533658-A-C.
Other names: c.1496T>G, p.Leu499Arg (NM_001363813.1); short protein forms L499R.
Identifiers: ClinVar variation 2566119 (VCV002566119.3), dbSNP rs781185996, ClinGen allele CA400677392.

ClinVar aggregate classification (germline): Uncertain significance. Review status: criteria provided, multiple submitters, no conflicts (2 of 4 stars). 2 submissions from 2 submitters: Uncertain significance (2). Last evaluated 2023-09-09.

Conditions:
Colorectal cancer. Also called: Colorectal cancer, somatic; Malignant Colorectal Neoplasm. Identifiers: MedGen C0346629, MONDO:0005575, OMIM 114500.
Hereditary cancer-predisposing syndrome. Also called: Neoplastic Syndromes, Hereditary; Hereditary Cancer Syndrome; Hereditary neoplastic syndrome; Tumor predisposition. Identifiers: Orphanet 140162, MedGen C0027672, MeSH D009386, MONDO:0015356.

Submissions (2):

Baylor Genetics
Classification: Uncertain significance for Colorectal cancer. Last evaluated: 2023-09-09. Review status: criteria provided, single submitter. Criteria: ACMG Guidelines, 2015. Collection method: clinical testing. Allele origin: unknown.

Ambry Genetics
Classification: Uncertain significance for Hereditary cancer-predisposing syndrome. Last evaluated: 2023-04-11. Review status: criteria provided, single submitter. Criteria: Ambry Variant Classification Scheme 2023. Collection method: clinical testing. Allele origin: germline.
Comment: The p.L499R variant (also known as c.1496T>G), located in coding exon 5 of the AXIN2 gene, results from a T to G substitution at nucleotide position 1496. The leucine at codon 499 is replaced by arginine, an amino acid with dissimilar properties. This amino acid position is conserved. In addition, the in silico prediction for this alteration is inconclusive. Since supporting evidence is limited at this time, the clinical significance of this alteration remains unclear.